The following is an entry in ClinVar:

ClinVar aggregate classification (germline): Uncertain significance (1 of 4 stars; one submission).

Submission:

GeneDx
Classification: Uncertain significance. Last evaluated: 2023-09-30. Review status: criteria provided, single submitter. Criteria: GeneDx Variant Classification Process June 2021. Collection method: clinical testing. Allele origin: germline. Affected: yes.
Comment: Not observed at significant frequency in large population cohorts (gnomAD); In silico analysis supports that this missense variant does not alter protein structure/function; Has not been previously published as pathogenic or benign to our knowledge

NM_021008.4(DEAF1):c.437C>T (p.Ala146Val)

Gene: DEAF1 (DEAF1 transcription factor; minus strand). Cytogenetic location: 11p15.5.
Variant type: single nucleotide variant.
Coding change: c.437C>T on transcript NM_021008.4 (MANE Select); coding-DNA position 437, C replaced by T.
Protein change: p.Ala146Val; replaces alanine 146 with valine.
Molecular consequence: missense variant. On other transcripts: 5 prime UTR variant (1).
Genome position (GRCh38, 1-based): chr11:688,411, G>A on the plus strand (C>T on the coding strand, the complement: DEAF1 is on the minus strand). VCF-style: chr11-688411-G-A. GRCh37 (hg19) VCF-style: chr11-688411-G-A.
Other names: c.437C>T, p.Ala146Val (NM_001293634.2); c.-290C>T (NM_001367390.1); short protein forms A146V.
Identifiers: ClinVar variation 3252274 (VCV003252274.1), dbSNP rs2494458612.